The following is an entry in ClinVar:

NM_019032.6(ADAMTSL4):c.916C>T (p.Pro306Ser)

Genes: ADAMTSL4 (ADAMTS like 4; plus strand), ADAMTSL4-AS2 (ADAMTSL4 antisense RNA 2; minus strand). Cytogenetic location: 1q21.2.
Variant type: single nucleotide variant.
Coding change: c.916C>T on transcript NM_019032.6 (MANE Select); coding-DNA position 916, C replaced by T.
Protein change: p.Pro306Ser; replaces proline 306 with serine.
Molecular consequence: missense variant.
Genome position (GRCh38, 1-based): chr1:150,553,907, C>T. VCF-style: chr1-150553907-C-T. GRCh37 (hg19) VCF-style: chr1-150526383-C-T.
Other names: c.916C>T, p.Pro306Ser (NM_001288607.2, NM_001288608.2, NM_001378596.1 and 1 more transcripts); short protein forms P306S.
Identifiers: ClinVar variation 1419108 (VCV001419108.5), dbSNP rs374601828, ClinGen allele CA1078068.

ClinVar aggregate classification (germline): Uncertain significance (1 of 4 stars; one submission).

Allele frequency attached by ClinVar (database versions not stated): gnomAD exomes below 0.00001 and 0.00002; ExAC 0.00003; gnomAD 0.00004; TOPMed 0.00007; ESP Exome Variant Server 0.00015.
gnomAD v4.1: 14 of 1,612,568 alleles (0.00087%); highest among the groups gnomAD compares: African/African-American, 0.012%; no homozygotes.

Submission:

Labcorp Genetics (formerly Invitae), Labcorp
Classification: Uncertain significance. Last evaluated: 2022-04-12. Review status: criteria provided, single submitter. Criteria: Invitae Variant Classification Sherloc (09022015). Collection method: clinical testing. Allele origin: germline.
Comment: This sequence change replaces proline, which is neutral and non-polar, with serine, which is neutral and polar, at codon 306 of the ADAMTSL4 protein (p.Pro306Ser). This variant is present in population databases (rs374601828, gnomAD 0.02%). This variant has not been reported in the literature in individuals affected with ADAMTSL4-related conditions. Algorithms developed to predict the effect of missense changes on protein structure and function are either unavailable or do not agree on the potential impact of this missense change (SIFT: "Deleterious"; PolyPhen-2: "Benign"; Align-GVGD: "Class C0"). In summary, the available evidence is currently insufficient to determine the role of this variant in disease. Therefore, it has been classified as a Variant of Uncertain Significance.